The following is an entry in ClinVar:

ClinVar aggregate classification (germline): Uncertain significance (1 of 4 stars; one submission).

gnomAD v4.1: 12 of 1,614,098 alleles (0.00074%); highest among the groups gnomAD compares: South Asian, 0.0055%; no homozygotes.

Submission:

Labcorp Genetics (formerly Invitae), Labcorp
Classification: Uncertain significance. Last evaluated: 2025-12-18. Review status: criteria provided, single submitter. Criteria: Invitae Variant Classification Sherloc (09022015). Collection method: clinical testing. Allele origin: germline.
Comment: This sequence change replaces alanine, which is neutral and non-polar, with threonine, which is neutral and polar, at codon 690 of the HYOU1 protein (p.Ala690Thr). This variant is present in population databases (rs782542366, gnomAD 0.006%). This variant has not been reported in the literature in individuals affected with HYOU1-related conditions. ClinVar contains an entry for this variant (Variation ID: 3675923). An algorithm developed to predict the effect of missense changes on protein structure and function (PolyPhen-2) suggests that this variant is likely to be tolerated. In summary, the available evidence is currently insufficient to determine the role of this variant in disease. Therefore, it has been classified as a Variant of Uncertain Significance.

NM_006389.5(HYOU1):c.2068G>A (p.Ala690Thr)

Gene: HYOU1 (hypoxia up-regulated 1; minus strand). Cytogenetic location: 11q23.3.
Variant type: single nucleotide variant.
Coding change: c.2068G>A on transcript NM_006389.5 (MANE Select); coding-DNA position 2068, G replaced by A.
Protein change: p.Ala690Thr; replaces alanine 690 with threonine.
Molecular consequence: missense variant.
Genome position (GRCh38, 1-based): chr11:119,048,811, C>T on the plus strand (G>A on the coding strand, the complement: HYOU1 is on the minus strand). VCF-style: chr11-119048811-C-T. GRCh37 (hg19) VCF-style: chr11-118919523-C-T.
Other names: c.2068G>A, p.Ala690Thr (NM_001130991.3, NM_001411041.1); short protein forms A690T.
Identifiers: ClinVar variation 3675923 (VCV003675923.2).
Genomic context (GRCh38, chr11:119,048,811, plus strand): 5'-CAGGCAGGTCCAGAACAACCAGCTCCACCCCGATCTCCTCTACCATTCGCCGCTTCCTGG[C>T]GGGCTTCTGCTTCTTCTCTCCCTCTGGGGCTGGAGCGACGCCCTCAGGCCCTGCCTCTGC-3'
Protein context (NP_006380.1, residues 680-700): APEGEKKQKP[Ala690Thr]RKRRMVEEIG